The following is an entry in ClinVar:

NM_014946.4(SPAST):c.-41C>T

Gene: SPAST (spastin; plus strand). Cytogenetic location: 2p22.3.
Variant type: single nucleotide variant.
Coding change: c.-41C>T on transcript NM_014946.4 (MANE Select); 41 bases upstream of the start codon, C replaced by T.
Molecular consequence: 5 prime UTR variant.
Genome position (GRCh38, 1-based): chr2:32,063,791, C>T. VCF-style: chr2-32063791-C-T. GRCh37 (hg19) VCF-style: chr2-32288860-C-T.
Other names: c.-41C>T (NM_001363823.2, NM_001363875.2, NM_001377959.1 and 1 more transcripts).
Identifiers: ClinVar variation 335826 (VCV000335826.8), dbSNP rs374327295, ClinGen allele CA1600442.

ClinVar aggregate classification (germline): Likely benign. Review status: criteria provided, multiple submitters, no conflicts (2 of 4 stars). 4 submissions from 4 submitters: Likely benign (3). 1 of the submissions does not count toward it. Last evaluated 2018-01-12.

Conditions:
SPAST-related disorder. Also called: SPAST-related condition.
Hereditary spastic paraplegia 4. Also called: Spastic paraplegia 4, autosomal dominant; Spastic Paraplegia 4; Familial spastic paraplegia autosomal dominant 2. Identifiers: Orphanet 100985, MedGen C1866855, MONDO:0008438, OMIM 182601.

Allele frequency attached by ClinVar (database versions not stated): ESP Exome Variant Server 0.00028; 1000 Genomes Project 30x 0.00031; 1000 Genomes Project 0.00040; gnomAD 0.00053 and 0.00078; gnomAD exomes 0.00060; TOPMed 0.00079; ExAC 0.00091.
gnomAD v4.1: 1,220 of 1,547,808 alleles (0.079%); highest among the groups gnomAD compares: Middle Eastern, 0.32%; 4 homozygotes.

Submissions (4):

Illumina Laboratory Services, Illumina
Classification: Likely benign for Hereditary spastic paraplegia 4. Last evaluated: 2018-01-12. Review status: criteria provided, single submitter. Criteria: ICSL Variant Classification Criteria 13 December 2019. Collection method: clinical testing. Allele origin: germline.
Comment: This variant was observed in the ICSL laboratory as part of a predisposition screen in an ostensibly healthy population. It had not been previously curated by ICSL or reported in the Human Gene Mutation Database (HGMD: prior to June 1st, 2018), and was therefore a candidate for classification through an automated scoring system. Utilizing variant allele frequency, disease prevalence and penetrance estimates, and inheritance mode, an automated score was calculated to assess if this variant is too frequent to cause the disease. Based on the score and internal cut-off values, a variant classified as likely benign is not then subjected to further curation. The score for this variant resulted in a classification of likely benign for this disease.

GeneDx
Classification: Likely benign. Last evaluated: 2017-10-26. Review status: criteria provided, single submitter. Criteria: GeneDx Variant Classification (06012015). Collection method: clinical testing. Allele origin: germline. Affected: yes.
Comment: This variant is considered likely benign or benign based on one or more of the following criteria: it is a conservative change, it occurs at a poorly conserved position in the protein, it is predicted to be benign by multiple in silico algorithms, and/or has population frequency not consistent with disease.

Breakthrough Genomics
Classification: Likely benign. Review status: criteria provided, single submitter. Criteria: ACMG Guidelines, 2015. Collection method: not provided. Allele origin: germline. Inheritance: Autosomal dominant inheritance. Affected: yes.

PreventionGenetics, part of Exact Sciences
Classification: Likely benign for SPAST-related condition. Last evaluated: 2024-03-05. Review status: no assertion criteria provided. Collection method: clinical testing. Allele origin: germline. Not counted in ClinVar's aggregate classification.
Comment: This variant is classified as likely benign based on ACMG/AMP sequence variant interpretation guidelines (Richards et al. 2015 PMID: 25741868, with internal and published modifications).